The following is an entry in ClinVar:

ClinVar aggregate classification (germline): Uncertain significance (1 of 4 stars; one submission).

Conditions:
Charcot-Marie-Tooth disease type 4J (CMT4J). Also called: Charcot-Marie-Tooth Neuropathy Type 4J; CHARCOT-MARIE-TOOTH DISEASE, AUTOSOMAL RECESSIVE, TYPE 4J; CHARCOT-MARIE-TOOTH DISEASE, DEMYELINATING, TYPE 4J. Identifiers: Orphanet 139515, MedGen C1970011, MONDO:0012640, OMIM 611228.

Submission:

Molecular Genetics, Royal Melbourne Hospital
Classification: Uncertain significance for Charcot-Marie-Tooth disease type 4J. Last evaluated: 2023-03-30. Review status: criteria provided, single submitter. Criteria: ACMG Guidelines, 2015. Collection method: clinical testing. Allele origin: germline.
Comment: This sequence change is predicted to replace tyrosine with histidine at codon 134 of the FIG4 protein (p.(Tyr134His)). The tyrosine residue is evolutionarily conserved (100 vertebrates, UCSC), and is located in the SacI homology domain. There is a moderate physicochemical difference between tyrosine and histidine. The variant is absent in a large population cohort (PM2; gnomAD v2.1 and v3.0), and has been not been reported in the relevant medical literature or databases. Multiple lines of computational evidence predict a deleterious effect for the missense substitution (PP3; 4/6 algorithms). Based on the classification scheme RMH ACMG Guidelines v1.2.1, this variant is classified as a VARIANT OF UNCERTAIN SIGNIFICANCE. Following criteria are met: PM2, PP3.

NM_014845.6(FIG4):c.400T>C (p.Tyr134His)

Gene: FIG4 (FIG4 phosphoinositide 5-phosphatase; plus strand). Cytogenetic location: 6q21.
Variant type: single nucleotide variant.
Coding change: c.400T>C on transcript NM_014845.6 (MANE Select); coding-DNA position 400, T replaced by C.
Protein change: p.Tyr134His; replaces tyrosine 134 with histidine.
Molecular consequence: missense variant.
Genome position (GRCh38, 1-based): chr6:109,727,219, T>C. VCF-style: chr6-109727219-T-C. GRCh37 (hg19) VCF-style: chr6-110048422-T-C.
Other names: short protein forms Y134H.
Identifiers: ClinVar variation 1678605 (VCV001678605.2), dbSNP rs2128384043, ClinGen allele CA365217217.
Genomic context (GRCh38, chr6:109,727,219, plus strand): 5'-AGGAAGATGGCGGATATTGGAGGTCATGCAATCTATAAGGTCGAAGATACAAATATGATC[T>C]ATATACCCAATGATTCTGTACGGGTTACTCATCCTGATGAAGCTAGGTATGTATGGTGGT-3'
Protein context (NP_055660.1, residues 124-144): IYKVEDTNMI[Tyr134His]IPNDSVRVTH